The following is an entry in ClinVar:

ClinVar aggregate classification (germline): Uncertain significance (1 of 4 stars; one submission).

Conditions:
Inborn genetic diseases. Identifiers: MedGen C0950123, MeSH D030342.

Submission:

Ambry Genetics
Classification: Uncertain significance for Inborn genetic diseases. Last evaluated: 2025-03-03. Review status: criteria provided, single submitter. Criteria: Ambry Variant Classification Scheme 2023. Collection method: clinical testing. Allele origin: germline.
Comment: The p.D651V variant (also known as c.1952A>T), located in coding exon 12 of the RECQL4 gene, results from an A to T substitution at nucleotide position 1952. The aspartic acid at codon 651 is replaced by valine, an amino acid with highly dissimilar properties. This amino acid position is conserved. In addition, this alteration is predicted to be deleterious by in silico analysis. Based on the available evidence, the clinical significance of this variant remains unclear.

NM_004260.4(RECQL4):c.1952A>T (p.Asp651Val)

Gene: RECQL4 (RecQ like helicase 4; minus strand). Cytogenetic location: 8q24.3.
Variant type: single nucleotide variant.
Coding change: c.1952A>T on transcript NM_004260.4 (MANE Select); coding-DNA position 1952, A replaced by T.
Protein change: p.Asp651Val; replaces aspartic acid 651 with valine.
Molecular consequence: missense variant. On other transcripts: non-coding transcript variant (3).
Genome position (GRCh38, 1-based): chr8:144,514,034, T>A on the plus strand (A>T on the coding strand, the complement: RECQL4 is on the minus strand). VCF-style: chr8-144514034-T-A. GRCh37 (hg19) VCF-style: chr8-145739418-T-A.
Other names: c.1856A>T, p.Asp619Val (NM_001413017.1, NM_001413020.1); c.1952A>T, p.Asp651Val (NM_001413018.1, NM_001413019.1, NM_001413036.1); c.881A>T, p.Asp294Val (NM_001413021.1, NM_001413022.1, NM_001413023.1 and 6 more transcripts); c.1823A>T, p.Asp608Val (NM_001413025.1); c.815A>T, p.Asp272Val (NM_001413027.1, NM_001413030.1, NM_001413032.1 and 1 more transcripts); c.1601A>T, p.Asp534Val (NM_001413029.1); c.683A>T, p.Asp228Val (NM_001413031.1); c.1820A>T, p.Asp607Val (NM_001413033.1); and 4 more; short protein forms D294V, D608V, D272V, D284V, D607V, D641V, D162V, D250V.
Identifiers: ClinVar variation 3788073 (VCV003788073.1).